The following is an entry in ClinVar:

NM_004991.4(MECOM):c.2459C>T (p.Pro820Leu)

Gene: MECOM (MDS1 and EVI1 complex locus; minus strand). Cytogenetic location: 3q26.2.
Variant type: single nucleotide variant.
Coding change: c.2459C>T on transcript NM_004991.4 (MANE Select); coding-DNA position 2459, C replaced by T.
Protein change: p.Pro820Leu; replaces proline 820 with leucine.
Molecular consequence: missense variant.
Genome position (GRCh38, 1-based): chr3:169,115,413, G>A on the plus strand (C>T on the coding strand, the complement: MECOM is on the minus strand). VCF-style: chr3-169115413-G-A. GRCh37 (hg19) VCF-style: chr3-168833201-G-A.
Other names: c.2090C>T, p.Pro697Leu (NM_001105077.4); c.1895C>T, p.Pro632Leu (NM_001105078.4, NM_001164000.2, NM_001205194.2 and 4 more transcripts); c.1898C>T, p.Pro633Leu (NM_001163999.2, NM_001366467.2, NM_001366468.2 and 1 more transcripts); c.2459C>T, p.Pro820Leu (NM_001366466.2); c.1487C>T, p.Pro496Leu (NM_001366473.2); c.923C>T, p.Pro308Leu (NM_001366474.2); short protein forms P496L, P820L, P308L, P633L, P697L, P632L.
Identifiers: ClinVar variation 4053259 (VCV004053259.1).

ClinVar aggregate classification (germline): Uncertain significance (1 of 4 stars; one submission).

Conditions:
Inborn genetic diseases. Identifiers: MedGen C0950123, MeSH D030342.

gnomAD v4.1: 1 of 1,614,034 alleles (0.000062%); highest among the groups gnomAD compares: Non-Finnish European, 0.000085%; no homozygotes.

Submission:

Ambry Genetics
Classification: Uncertain significance for Inborn genetic diseases. Last evaluated: 2025-05-17. Review status: criteria provided, single submitter. Criteria: Ambry Variant Classification Scheme 2023. Collection method: clinical testing. Allele origin: germline.
Comment: The p.P820L variant (also known as c.2459C>T), located in coding exon 8 of the MECOM gene, results from a C to T substitution at nucleotide position 2459. The proline at codon 820 is replaced by leucine, an amino acid with similar properties. This amino acid position is conserved. In addition, this alteration is predicted to be deleterious by in silico analysis. Based on the available evidence, the clinical significance of this variant remains unclear.